The following is an entry in ClinVar:

NM_000110.4(DPYD):c.86G>A (p.Cys29Tyr)

Gene: DPYD (dihydropyrimidine dehydrogenase; minus strand). Cytogenetic location: 1p21.3.
Variant type: single nucleotide variant.
Coding change: c.86G>A on transcript NM_000110.4 (MANE Select); coding-DNA position 86, G replaced by A.
Protein change: p.Cys29Tyr; replaces cysteine 29 with tyrosine.
Molecular consequence: missense variant.
Genome position (GRCh38, 1-based): chr1:97,883,328, C>T on the plus strand (G>A on the coding strand, the complement: DPYD is on the minus strand). VCF-style: chr1-97883328-C-T. GRCh37 (hg19) VCF-style: chr1-98348884-C-T.
Other names: c.86G>A, p.Cys29Tyr (NM_001160301.1); short protein forms C29Y.
Identifiers: ClinVar variation 1302258 (VCV001302258.4), dbSNP rs528768620, ClinGen allele CA963802.

ClinVar aggregate classification (germline): Uncertain significance. Review status: criteria provided, multiple submitters, no conflicts (2 of 4 stars). 2 submissions from 2 submitters: Uncertain significance (2). Last evaluated 2024-11-25.

Allele frequency attached by ClinVar (database versions not stated): gnomAD 0.00006 and 0.00007; gnomAD exomes 0.00008 and 0.00015; TOPMed 0.00009; ExAC 0.00012.

Submissions (2):

Blueprint Genetics
Classification: Uncertain significance. Last evaluated: 2024-11-25. Review status: criteria provided, single submitter. Criteria: ACMG Guidelines, 2015. Collection method: clinical testing. Allele origin: germline.

GeneDx
Classification: Uncertain significance. Last evaluated: 2024-09-13. Review status: criteria provided, single submitter. Criteria: GeneDx Variant Classification Process June 2021. Collection method: clinical testing. Allele origin: germline. Affected: yes.
Comment: Has not been previously published as pathogenic or benign to our knowledge; In silico analysis, which includes protein predictors and evolutionary conservation, supports that this variant does not alter protein structure/function